The following is an entry in ClinVar:

NM_001081.4(CUBN):c.8908C>T (p.Arg2970Cys)

Gene: CUBN (cubilin; minus strand). Cytogenetic location: 10p13.
Variant type: single nucleotide variant.
Coding change: c.8908C>T on transcript NM_001081.4 (MANE Select); coding-DNA position 8908, C replaced by T.
Protein change: p.Arg2970Cys; replaces arginine 2970 with cysteine.
Molecular consequence: missense variant.
Genome position (GRCh38, 1-based): chr10:16,877,095, G>A on the plus strand (C>T on the coding strand, the complement: CUBN is on the minus strand). VCF-style: chr10-16877095-G-A. GRCh37 (hg19) VCF-style: chr10-16919094-G-A.
Other names: short protein forms R2970C.
Identifiers: ClinVar variation 299391 (VCV000299391.7), dbSNP rs562374248, ClinGen allele CA5422862.

ClinVar aggregate classification (germline): Uncertain significance. Review status: criteria provided, multiple submitters, no conflicts (2 of 4 stars). 3 submissions from 3 submitters: Uncertain significance (3). Last evaluated 2024-06-03.

Conditions:
Proteinuria, chronic benign. Identifiers: MedGen C5394384, MONDO:0030042, OMIM 618884.
Imerslund-Grasbeck syndrome type 1 (IGS1). Also called: Megaloblastic anemia 1, Finnish type; MEGALOBLASTIC ANEMIA, 1; Imerslund-Gräsbeck syndrome 1. Identifiers: MedGen C4016819, MONDO:0100156, OMIM 261100.

Allele frequency attached by ClinVar (database versions not stated): gnomAD 0.00003 and 0.00001; TOPMed 0.00001; gnomAD exomes 0.00007; ExAC 0.00008; 1000 Genomes Project 0.00060; 1000 Genomes Project 30x 0.00047.
gnomAD v4.1: 52 of 1,612,920 alleles (0.0032%); highest among the groups gnomAD compares: South Asian, 0.038%; 1 homozygote.

Submissions (3):

Fulgent Genetics
Classification: Uncertain significance for Imerslund-Grasbeck syndrome type 1; Proteinuria, chronic benign. Last evaluated: 2024-06-03. Review status: criteria provided, single submitter. Criteria: ACMG Guidelines, 2015. Collection method: clinical testing. Allele origin: germline.

Illumina Laboratory Services, Illumina
Classification: Uncertain significance for Imerslund-Grasbeck syndrome type 1. Last evaluated: 2018-01-12. Review status: criteria provided, single submitter. Criteria: ICSL Variant Classification Criteria 13 December 2019. Collection method: clinical testing. Allele origin: germline.

GeneDx
Classification: Uncertain significance. Last evaluated: 2017-08-24. Review status: criteria provided, single submitter. Criteria: GeneDx Variant Classification (06012015). Collection method: clinical testing. Allele origin: germline. Affected: yes.
Comment: The R2970C variant in the CUBN gene has not been reported previously as a pathogenic variant, nor as a benign variant, to our knowledge. The R2970C variant is observed in 7/14658 (0.047%) alleles from individuals of South Asian background in the ExAC dataset; no individuals are homozygous for this variant (Lek et al., 2016). The R2970C variant is a non-conservative amino acid substitution, which is likely to impact secondary protein structure as these residues differ in polarity, charge, size and/or other properties. This substitution occurs at a position that is not conserved. In silico analysis predicts this variant is probably damaging to the protein structure/function. We interpret R2970C as a variant of uncertain significance.